The following is an entry in ClinVar:

ClinVar aggregate classification (germline): Benign/Likely benign. Review status: criteria provided, multiple submitters, no conflicts (2 of 4 stars). 2 submissions from 2 submitters: Benign (1); Likely benign (1). Last evaluated 2026-01-25.

Conditions:
Glucocorticoid deficiency with achalasia (AAAS). Also called: Achalasia-Addisonianism-Alacrima (Triple-A) Syndrome; ALACRIMA-ACHALASIA-ADRENAL INSUFFICIENCY NEUROLOGIC DISORDER; AAA syndrome; Allgrove syndrome; Achalasia-addisonianism-alacrimia syndrome; Triple-A syndrome. Identifiers: Orphanet 869, MedGen C0271742, MONDO:0009279, OMIM 231550.

Allele frequency attached by ClinVar (database versions not stated): TOPMed 0.00014; gnomAD 0.00038; 1000 Genomes Project 30x 0.00234; 1000 Genomes Project 0.00240.
gnomAD v4.1: 154 of 1,613,428 alleles (0.0095%); highest among the groups gnomAD compares: East Asian, 0.3%; no homozygotes.

Submissions (2):

Labcorp Genetics (formerly Invitae), Labcorp
Classification: Benign. Last evaluated: 2026-01-25. Review status: criteria provided, single submitter. Criteria: Invitae Variant Classification Sherloc (09022015). Collection method: clinical testing. Allele origin: germline.

Illumina Laboratory Services, Illumina
Classification: Likely benign for Glucocorticoid deficiency with achalasia. Last evaluated: 2018-01-12. Review status: criteria provided, single submitter. Criteria: ICSL Variant Classification Criteria 13 December 2019. Collection method: clinical testing. Allele origin: germline.
Comment: This variant was observed in the ICSL laboratory as part of a predisposition screen in an ostensibly healthy population. It had not been previously curated by ICSL or reported in the Human Gene Mutation Database (HGMD: prior to June 1st, 2018), and was therefore a candidate for classification through an automated scoring system. Utilizing variant allele frequency, disease prevalence and penetrance estimates, and inheritance mode, an automated score was calculated to assess if this variant is too frequent to cause the disease. Based on the score and internal cut-off values, a variant classified as likely benign is not then subjected to further curation. The score for this variant resulted in a classification of likely benign for this disease.

NM_015665.6(AAAS):c.327G>T (p.Thr109=)

Gene: AAAS (aladin WD repeat nucleoporin; minus strand). Cytogenetic location: 12q13.13.
Variant type: single nucleotide variant.
Coding change: c.327G>T on transcript NM_015665.6 (MANE Select); coding-DNA position 327, G replaced by T.
Protein change: p.Thr109=; no amino-acid change (threonine 109 retained).
Molecular consequence: synonymous variant.
Genome position (GRCh38, 1-based): chr12:53,315,407, C>A on the plus strand (G>T on the coding strand, the complement: AAAS is on the minus strand). VCF-style: chr12-53315407-C-A. GRCh37 (hg19) VCF-style: chr12-53709191-C-A.
Other names: c.327G>T, p.Thr109= (NM_001173466.2).
Identifiers: ClinVar variation 739225 (VCV000739225.12), dbSNP rs190876509, ClinGen allele CA6599262.
Genomic context (GRCh38, chr12:53,315,407, plus strand): 5'-GAACAGGGACCCATGGAGGGAAGAGGCCCATCGACAGAGTGCCAGGGCCCAGCCGGATGC[C>A]GTCTTCACCCACTCAAACACTGTAGGGTTGAGGAAGCAGCTCTGATTAAACCATTCACAG-3'
Protein context (NP_056480.1, residues 99-119): SEEEVFEWVK[Thr109=]ASGWALALCR